The following is an entry in ClinVar:

ClinVar aggregate classification (germline): Uncertain significance (1 of 4 stars; one submission).

Allele frequency attached by ClinVar (database versions not stated): gnomAD 0.00001 and 0.00003; gnomAD exomes 0.00001 and 0.00003; ExAC 0.00003; TOPMed 0.00005; ESP Exome Variant Server 0.00008.
gnomAD v4.1: 19 of 1,607,090 alleles (0.0012%); highest among the groups gnomAD compares: South Asian, 0.0077%; no homozygotes.

Submission:

Labcorp Genetics (formerly Invitae), Labcorp
Classification: Uncertain significance. Last evaluated: 2021-06-06. Review status: criteria provided, single submitter. Criteria: Invitae Variant Classification Sherloc (09022015). Collection method: clinical testing. Allele origin: germline.
Comment: In summary, the available evidence is currently insufficient to determine the role of this variant in disease. Therefore, it has been classified as a Variant of Uncertain Significance. This sequence change replaces alanine with threonine at codon 1234 of the INTS1 protein (p.Ala1234Thr). The alanine residue is moderately conserved and there is a small physicochemical difference between alanine and threonine. This variant is present in population databases (rs370488810, ExAC 0.02%). This variant has not been reported in the literature in individuals with INTS1-related conditions. Algorithms developed to predict the effect of missense changes on protein structure and function are either unavailable or do not agree on the potential impact of this missense change (SIFT: "Deleterious"; PolyPhen-2: "Benign"; Align-GVGD: "Class C0").

NM_001080453.3(INTS1):c.3700G>A (p.Ala1234Thr)

Gene: INTS1 (integrator complex subunit 1; minus strand). Cytogenetic location: 7p22.3.
Variant type: single nucleotide variant.
Coding change: c.3700G>A on transcript NM_001080453.3 (MANE Select); coding-DNA position 3700, G replaced by A.
Protein change: p.Ala1234Thr; replaces alanine 1234 with threonine.
Molecular consequence: missense variant.
Genome position (GRCh38, 1-based): chr7:1,482,549, C>T on the plus strand (G>A on the coding strand, the complement: INTS1 is on the minus strand). VCF-style: chr7-1482549-C-T. GRCh37 (hg19) VCF-style: chr7-1522185-C-T.
Other names: short protein forms A1234T.
Identifiers: ClinVar variation 1399604 (VCV001399604.6), dbSNP rs370488810, ClinGen allele CA4119174.
Genomic context (GRCh38, chr7:1,482,549, plus strand): 5'-AAGGGGCCCGGGACCCCTGAGTCAGCAGCCCCTGCCCAAGCCCAGCCTGGACCGTACCGG[C>T]GTCCACCAGGCGGAGCACCTCAGAACGGATCATGCGCAGCTTCAGCCAGTCAGGAAGCAG-3'
Protein context (NP_001073922.2, residues 1224-1244): IRSEVLRLVD[Ala1234Thr]ALQDLEPQQL